The following is an entry in ClinVar:

NM_001372.4(DNAH9):c.327_341del (p.Glu109_Pro113del)

Gene: DNAH9 (dynein axonemal heavy chain 9; plus strand). Cytogenetic location: 17p12.
Variant type: Deletion.
Coding change: c.327_341del on transcript NM_001372.4 (MANE Select); coding-DNA positions 327 to 341, 15 bases deleted (GCCTCCAGGGCCCGA).
Protein change: p.Glu109_Pro113del.
Molecular consequence: inframe deletion.
Genome position (GRCh38, 1-based): chr17:11,598,825-11,598,839, GCCTCCAGGGCCCGA deleted; deleting any 15 consecutive bases within chr17:11,598,817-11,598,839 gives the same sequence; the c. name uses the placement nearest the transcript's 3' end. VCF-style (leftmost placement, unchanged base first): chr17-11598816-CGGGCCCGAGCCTCCA-C. GRCh37 (hg19) VCF-style: chr17-11502133-CGGGCCCGAGCCTCCA-C.
Identifiers: ClinVar variation 2121550 (VCV002121550.4), dbSNP rs1267703489, ClinGen allele CA2580092603.
Genomic context (GRCh38, chr17:11,598,816, plus strand): 5'-GCTGGAGGTGGGACCTGAGTCGGGCCTGGCTGGCGCTAAGGCGCTTTTTTTCCTTCGCAC[CGGGCCCGAGCCTCCA>C]GGGCCCGACAGCTTCCGCGGCGCAGTGGTCTGCGGGGACCTGCCCGCGGCACCTCTGGAG-3'

ClinVar aggregate classification (germline): Uncertain significance (1 of 4 stars; one submission).

Submission:

Labcorp Genetics (formerly Invitae), Labcorp
Classification: Uncertain significance. Last evaluated: 2022-07-09. Review status: criteria provided, single submitter. Criteria: Invitae Variant Classification Sherloc (09022015). Collection method: clinical testing. Allele origin: germline.
Comment: This variant, c.327_341del, results in the deletion of 5 amino acid(s) of the DNAH9 protein (p.Glu109_Pro113del), but otherwise preserves the integrity of the reading frame. This variant is not present in population databases (gnomAD no frequency). This variant has not been reported in the literature in individuals affected with DNAH9-related conditions. Experimental studies and prediction algorithms are not available or were not evaluated, and the functional significance of this variant is currently unknown. In summary, the available evidence is currently insufficient to determine the role of this variant in disease. Therefore, it has been classified as a Variant of Uncertain Significance.